The following is an entry in ClinVar:

ClinVar aggregate classification (germline): Uncertain significance. Review status: criteria provided, single submitter (1 of 4 stars). 2 submissions from 2 submitters: Uncertain significance (1). 1 of the submissions does not count toward it. Last evaluated 2018-10-11.

Conditions:
Cystic fibrosis (CF). Also called: MUCOVISCIDOSIS. Identifiers: Orphanet 586, MedGen C0010674, MONDO:0009061, OMIM 219700. Disease mechanism: loss of function.

Submissions (2):

Labcorp Genetics (formerly Invitae), Labcorp
Classification: Uncertain significance for Cystic fibrosis. Last evaluated: 2018-10-11. Review status: criteria provided, single submitter. Criteria: Invitae Variant Classification Sherloc (09022015). Collection method: clinical testing. Allele origin: germline.
Comment: In summary, the available evidence is currently insufficient to determine the role of this variant in disease. Therefore, it has been classified as a Variant of Uncertain Significance. Algorithms developed to predict the effect of sequence changes on RNA splicing suggest that this variant may create or strengthen a splice site, but this prediction has not been confirmed by published transcriptional studies. Algorithms developed to predict the effect of missense changes on protein structure and function (SIFT, PolyPhen-2, Align-GVGD) all suggest that this variant is likely to be tolerated, but these predictions have not been confirmed by published functional studies and their clinical significance is uncertain. This variant has not been reported in the literature in individuals with CFTR-related disease. This variant is not present in population databases (ExAC no frequency). This sequence change replaces arginine with lysine at codon 134 of the CFTR protein (p.Arg134Lys). The arginine residue is moderately conserved and there is a small physicochemical difference between arginine and lysine.

Natera, Inc.
Classification: Uncertain significance for Cystic Fibrosis. Last evaluated: 2020-09-16. Review status: no assertion criteria provided. Collection method: clinical testing. Allele origin: germline. Not counted in ClinVar's aggregate classification.

NM_000492.4(CFTR):c.401G>A (p.Arg134Lys)

Gene: CFTR (CF transmembrane conductance regulator; plus strand). Cytogenetic location: 7q31.2.
Variant type: single nucleotide variant.
Coding change: c.401G>A on transcript NM_000492.4 (MANE Select); coding-DNA position 401, G replaced by A.
Protein change: p.Arg134Lys; replaces arginine 134 with lysine.
Molecular consequence: missense variant.
Genome position (GRCh38, 1-based): chr7:117,531,026, G>A. VCF-style: chr7-117531026-G-A. GRCh37 (hg19) VCF-style: chr7-117171080-G-A.
Other names: short protein forms R134K.
Identifiers: ClinVar variation 648221 (VCV000648221.9), dbSNP rs1584785049, ClinGen allele CA368974649.
Genomic context (GRCh38, chr7:117,531,026, plus strand): 5'-AGGAGGAACGCTCTATCGCGATTTATCTAGGCATAGGCTTATGCCTTCTCTTTATTGTGA[G>A]GACACTGCTCCTACACCCAGCCATTTTTGGCCTTCATCACATTGGAATGCAGATGAGAAT-3'
Protein context (NP_000483.3, residues 124-144): GIGLCLLFIV[Arg134Lys]TLLLHPAIFG